The following is an entry in ClinVar:

ClinVar aggregate classification (germline): Uncertain significance (1 of 4 stars; one submission).

Submission:

GeneDx
Classification: Uncertain significance. Last evaluated: 2020-01-13. Review status: criteria provided, single submitter. Criteria: GeneDx Variant Classification Process June 2021. Collection method: clinical testing. Allele origin: germline. Affected: yes.
Comment: Has not been previously published as pathogenic or benign to our knowledge; Not observed in large population cohorts (Lek et al., 2016); In silico analysis, which includes splice predictors and evolutionary conservation, supports a deleterious effect

NM_001035.3(RYR2):c.14756+4A>T

Gene: RYR2 (ryanodine receptor 2; plus strand). Cytogenetic location: 1q43.
Variant type: single nucleotide variant.
Coding change: c.14756+4A>T on transcript NM_001035.3 (MANE Select); 4 bases into the intron after coding-DNA position 14756, A replaced by T.
Molecular consequence: intron variant.
Genome position (GRCh38, 1-based): chr1:237,830,634, A>T. VCF-style: chr1-237830634-A-T. GRCh37 (hg19) VCF-style: chr1-237993934-A-T.
Identifiers: ClinVar variation 1318831 (VCV001318831.2), dbSNP rs2102947751, ClinGen allele CA2573051540.
Genomic context (GRCh38, chr1:237,830,634, plus strand): 5'-AGTGCCACATGGCTTTGAAACCCACACTTTACAGGAGCACAACTTGGCTAATTACTTGTG[A>T]GTGTGCCCGTTTCAGAATCTTCCACCTCTCCAGTAGACGCCACTGGTCCCTGCCCATCTC-3'